The following is an entry in ClinVar:

ClinVar aggregate classification (germline): Pathogenic/Likely pathogenic. Review status: criteria provided, multiple submitters, no conflicts (2 of 4 stars). 2 submissions from 2 submitters: Pathogenic (1); Likely pathogenic (1). Last evaluated 2024-01-19.

Conditions:
ABCA4-related disorder. Also called: ABCA4-related disorders; ABCA4-related condition. Identifiers: MedGen CN239167.

Submissions (2):

Labcorp Genetics (formerly Invitae), Labcorp
Classification: Pathogenic. Last evaluated: 2024-01-19. Review status: criteria provided, single submitter. Criteria: Invitae Variant Classification Sherloc (09022015). Collection method: clinical testing. Allele origin: germline.
Comment: This sequence change creates a premature translational stop signal (p.Lys1031*) in the ABCA4 gene. It is expected to result in an absent or disrupted protein product. Loss-of-function variants in ABCA4 are known to be pathogenic (PMID: 10958761, 24938718, 25312043, 26780318). This variant is not present in population databases (gnomAD no frequency). This variant has not been reported in the literature in individuals affected with ABCA4-related conditions. ClinVar contains an entry for this variant (Variation ID: 968904). For these reasons, this variant has been classified as Pathogenic.

Blueprint Genetics
Classification: Likely pathogenic for ABCA4-related disorders. Last evaluated: 2021-09-16. Review status: criteria provided, single submitter. Criteria: ACMG Guidelines, 2015. Collection method: clinical testing. Allele origin: germline. Affected: yes. Observed: 1 variant allele.

Literature cited by the submitters: PubMed 10958761 (cited by Labcorp Genetics (formerly Invitae), Labcorp); PubMed 24938718 (cited by Labcorp Genetics (formerly Invitae), Labcorp); PubMed 25312043 (cited by Labcorp Genetics (formerly Invitae), Labcorp); PubMed 26780318 (cited by Labcorp Genetics (formerly Invitae), Labcorp).

NM_000350.3(ABCA4):c.3091A>T (p.Lys1031Ter)

Gene: ABCA4 (ATP binding cassette subfamily A member 4; minus strand). Cytogenetic location: 1p22.1.
Variant type: single nucleotide variant.
Coding change: c.3091A>T on transcript NM_000350.3 (MANE Select); coding-DNA position 3091, A replaced by T.
Protein change: p.Lys1031Ter; replaces lysine 1031 with a stop codon.
Molecular consequence: nonsense.
Genome position (GRCh38, 1-based): chr1:94,043,435, T>A on the plus strand (A>T on the coding strand, the complement: ABCA4 is on the minus strand). VCF-style: chr1-94043435-T-A. GRCh37 (hg19) VCF-style: chr1-94508991-T-A.
Other names: c.2869A>T, p.Lys957Ter (NM_001425324.1); short protein forms K1031*, K957*.
Identifiers: ClinVar variation 968904 (VCV000968904.8), dbSNP rs61750060, ClinGen allele CA341292631.